The following is an entry in ClinVar:

ClinVar aggregate classification (germline): Uncertain significance (1 of 4 stars; one submission).

gnomAD v4.1: 2 of 1,598,482 alleles (0.00013%); highest among the groups gnomAD compares: African/African-American, 0.0013%; no homozygotes.

Submission:

Dasa
Classification: Uncertain significance. Last evaluated: 2026-03-20. Review status: criteria provided, single submitter. Criteria: DASA Assertion Criteria. Collection method: clinical testing. Allele origin: germline.
Comment: NM_001387220.1(IKZF2):c.575-8C>T is a splice-region variant. This variant is rare in population databases. The currently available literature and clinical evidence are not sufficient to establish a definitive association between this variant and the reported condition. Therefore, this variant is classified as a variant of uncertain significance.

NM_001387220.1(IKZF2):c.575-8C>T

Gene: IKZF2 (IKAROS family zinc finger 2; minus strand). Cytogenetic location: 2q34.
Variant type: single nucleotide variant.
Coding change: c.575-8C>T on transcript NM_001387220.1 (MANE Select); 8 bases into the intron before coding-DNA position 575, C replaced by T.
Molecular consequence: intron variant.
Genome position (GRCh38, 1-based): chr2:213,022,138, G>A on the plus strand (C>T on the coding strand, the complement: IKZF2 is on the minus strand). VCF-style: chr2-213022138-G-A. GRCh37 (hg19) VCF-style: chr2-213886862-G-A.
Other names: c.494-8C>T (NM_001371277.1); c.575-8C>T (NM_001371274.1, NM_016260.3); c.497-8C>T (NM_001371276.1, NM_001079526.2, NM_001371275.1).
Identifiers: ClinVar variation 4881935 (VCV004881935.2).